The following is an entry in ClinVar:

ClinVar aggregate classification (germline): Uncertain significance. Review status: criteria provided, multiple submitters, no conflicts (2 of 4 stars). 2 submissions from 2 submitters: Uncertain significance (2). Last evaluated 2026-01-05.

Conditions:
Congenital contractural arachnodactyly (CCA). Also called: Beals-Hecht syndrome; BEALS SYNDROME; Arthrogryposis, distal, type 9. Identifiers: Orphanet 115, MedGen C0220668, MONDO:0007363, OMIM 121050.
Familial thoracic aortic aneurysm and aortic dissection (TAAD). Also called: Thoracic aortic aneurysms and dissections. Identifiers: Orphanet 91387, MedGen C4707243, MONDO:0019625.

Allele frequency attached by ClinVar (database versions not stated): gnomAD exomes 0.00003 and 0.00004; TOPMed 0.00003; gnomAD 0.00001 and 0.00003.
gnomAD v4.1: 62 of 1,612,494 alleles (0.0038%); highest among the groups gnomAD compares: Middle Eastern, 0.016%; no homozygotes.

Submissions (2):

Labcorp Genetics (formerly Invitae), Labcorp
Classification: Uncertain significance for Congenital contractural arachnodactyly. Last evaluated: 2026-01-05. Review status: criteria provided, single submitter. Criteria: Invitae Variant Classification Sherloc (09022015). Collection method: clinical testing. Allele origin: germline.
Comment: This sequence change replaces asparagine, which is neutral and polar, with serine, which is neutral and polar, at codon 1945 of the FBN2 protein (p.Asn1945Ser). This variant is present in population databases (no rsID available, gnomAD 0.007%). This variant has not been reported in the literature in individuals affected with FBN2-related conditions. ClinVar contains an entry for this variant (Variation ID: 213341). Invitae Evidence Modeling of protein sequence and biophysical properties (such as structural, functional, and spatial information, amino acid conservation, physicochemical variation, residue mobility, and thermodynamic stability) indicates that this missense variant is expected to disrupt FBN2 protein function with a positive predictive value of 80%. In summary, the available evidence is currently insufficient to determine the role of this variant in disease. Therefore, it has been classified as a Variant of Uncertain Significance.

Ambry Genetics
Classification: Uncertain significance for Familial thoracic aortic aneurysm and aortic dissection. Last evaluated: 2024-08-29. Review status: criteria provided, single submitter. Criteria: Ambry Variant Classification Scheme 2023. Collection method: clinical testing. Allele origin: germline.
Comment: The p.N1945S variant (also known as c.5834A>G), located in coding exon 46 of the FBN2 gene, results from an A to G substitution at nucleotide position 5834. The asparagine at codon 1945 is replaced by serine, an amino acid with highly similar properties. This amino acid position is highly conserved in available vertebrate species. In addition, the in silico prediction for this alteration is inconclusive. Based on the available evidence, the clinical significance of this variant remains unclear.

NM_001999.4(FBN2):c.5834A>G (p.Asn1945Ser)

Gene: FBN2 (fibrillin 2; minus strand). Cytogenetic location: 5q23.3.
Variant type: single nucleotide variant.
Coding change: c.5834A>G on transcript NM_001999.4 (MANE Select); coding-DNA position 5834, A replaced by G.
Protein change: p.Asn1945Ser; replaces asparagine 1945 with serine.
Molecular consequence: missense variant.
Genome position (GRCh38, 1-based): chr5:128,303,056, T>C on the plus strand (A>G on the coding strand, the complement: FBN2 is on the minus strand). VCF-style: chr5-128303056-T-C. GRCh37 (hg19) VCF-style: chr5-127638748-T-C.
Other names: short protein forms N1945S.
Identifiers: ClinVar variation 213341 (VCV000213341.9), dbSNP rs863223578, ClinGen allele CA319810.